The following is an entry in ClinVar:

NM_020975.6(RET):c.1007A>G (p.Asn336Ser)

Gene: RET (ret proto-oncogene; plus strand). Cytogenetic location: 10q11.21.
Variant type: single nucleotide variant.
Coding change: c.1007A>G on transcript NM_020975.6 (MANE Select); coding-DNA position 1007, A replaced by G.
Protein change: p.Asn336Ser; replaces asparagine 336 with serine.
Molecular consequence: missense variant. On other transcripts: intron variant (25).
Genome position (GRCh38, 1-based): chr10:43,106,515, A>G. VCF-style: chr10-43106515-A-G. GRCh37 (hg19) VCF-style: chr10-43601963-A-G.
Other names: c.1007A>G, p.Asn336Ser (NM_001406765.1, NM_020629.2, NM_020630.7 and 6 more transcripts); c.719A>G, p.Asn240Ser (NM_001406766.1, NM_001406767.1, NM_001406770.1); c.878A>G, p.Asn293Ser (NM_001406768.1, NM_001406761.1, NM_001406762.1 and 1 more transcripts); c.867+1322A>G (NM_001406772.1, NM_001406769.1); c.626-2516A>G (NM_001406773.1, NM_001406771.1); c.625+3886A>G (NM_001406782.1, NM_001406780.1, NM_001406779.1 and 3 more transcripts); c.738+1322A>G (NM_001406774.1); c.496+3886A>G (NM_001406786.1, NM_001406783.1); and 5 more; short protein forms N82S, N293S, N336S, N240S.
Identifiers: ClinVar variation 2858167 (VCV002858167.4), dbSNP rs2538404813, ClinGen allele CA376546351.
Genomic context (GRCh38, chr10:43,106,515, plus strand): 5'-GCACGCTGCTCCCCGGGGACACCTGGGCCCAGCAGACCTTCCGGGTGGAACACTGGCCCA[A>G]CGAGACCTCGGTCCAGGCCAACGGCAGCTTCGTGCGGGCGACCGTACATGACTATAGTAA-3'
Protein context (NP_066124.1, residues 326-346): QQTFRVEHWP[Asn336Ser]ETSVQANGSF

ClinVar aggregate classification (germline): Uncertain significance. Review status: criteria provided, multiple submitters, no conflicts (2 of 4 stars). 2 submissions from 2 submitters: Uncertain significance (2). Last evaluated 2025-03-10.

Conditions:
Multiple endocrine neoplasia, type 2 (MEN2). Identifiers: Orphanet 653, MedGen C4048306, MONDO:0019003. Disease mechanism: gain of function.
Hereditary cancer-predisposing syndrome. Also called: Neoplastic Syndromes, Hereditary; Hereditary neoplastic syndrome; Tumor predisposition; Hereditary Cancer Syndrome. Identifiers: Orphanet 140162, MedGen C0027672, MeSH D009386, MONDO:0015356.

Allele frequency attached by ClinVar (database versions not stated): gnomAD exomes below 0.00001.

Submissions (2):

Ambry Genetics
Classification: Uncertain significance for Hereditary cancer-predisposing syndrome. Last evaluated: 2025-03-10. Review status: criteria provided, single submitter. Criteria: Ambry Variant Classification Scheme 2023. Collection method: clinical testing. Allele origin: germline.
Comment: The p.N336S variant (also known as c.1007A>G), located in coding exon 5 of the RET gene, results from an A to G substitution at nucleotide position 1007. The asparagine at codon 336 is replaced by serine, an amino acid with highly similar properties. This amino acid position is conserved. In addition, this alteration is predicted to be tolerated by in silico analysis. Based on the available evidence, the clinical significance of this variant remains unclear.

Labcorp Genetics (formerly Invitae), Labcorp
Classification: Uncertain significance for Multiple endocrine neoplasia, type 2. Last evaluated: 2024-04-22. Review status: criteria provided, single submitter. Criteria: Invitae Variant Classification Sherloc (09022015). Collection method: clinical testing. Allele origin: germline.
Comment: This sequence change replaces asparagine, which is neutral and polar, with serine, which is neutral and polar, at codon 336 of the RET protein (p.Asn336Ser). This variant is not present in population databases (gnomAD no frequency). This variant has not been reported in the literature in individuals affected with RET-related conditions. An algorithm developed to predict the effect of missense changes on protein structure and function (PolyPhen-2) suggests that this variant is likely to be tolerated. In summary, the available evidence is currently insufficient to determine the role of this variant in disease. Therefore, it has been classified as a Variant of Uncertain Significance.